The following is an entry in ClinVar:

ClinVar aggregate classification (germline): Likely pathogenic (1 of 4 stars; one submission).

Submission:

Dasa
Classification: Likely pathogenic. Last evaluated: 2025-08-05. Review status: criteria provided, single submitter. Criteria: DASA Assertion Criteria. Collection method: clinical testing. Allele origin: germline.
Comment: NM_016529.6(ATP8A2):c.1713-1G>C affects a canonical splice site and is predicted to disrupt normal RNA splicing. Loss of function is an established disease mechanism for ATP8A2-associated disorders. Also, this variant is absent from population databases. Based on the currently available evidence, this variant is classified as likely pathogenic.

NM_016529.6(ATP8A2):c.1713-1G>C

Gene: ATP8A2 (ATPase phospholipid transporting 8A2). Cytogenetic location: 13q12.13.
Variant type: single nucleotide variant.
Coding change: c.1713-1G>C on transcript NM_016529.6 (MANE Select); the canonical splice acceptor site of the intron before coding-DNA position 1713, G replaced by C.
Molecular consequence: splice acceptor variant.
Genome position (GRCh38, 1-based): chr13:25,577,068, G>C. VCF-style: chr13-25577068-G-C. GRCh37 (hg19) VCF-style: chr13-26151206-G-C.
Other names: c.1713-1G>C (NM_001411005.1, NM_001411006.1); c.1593-1G>C (NM_001313741.1).
Identifiers: ClinVar variation 4886125 (VCV004886125.2).